The following is an entry in ClinVar:

ClinVar aggregate classification (germline): Likely benign. Review status: criteria provided, multiple submitters, no conflicts (2 of 4 stars). 3 submissions from 3 submitters: Likely benign (3). Last evaluated 2024-10-28.

Allele frequency attached by ClinVar (database versions not stated): 1000 Genomes Project 0.00040; 1000 Genomes Project 30x 0.00047; ESP Exome Variant Server 0.00064; ExAC 0.00065; gnomAD exomes 0.00080 and 0.00083; gnomAD 0.00096 and 0.00100; TOPMed 0.00105.
gnomAD v4.1: 1,309 of 1,614,182 alleles (0.081%); highest among the groups gnomAD compares: Admixed American, 0.13%; 1 homozygote.

Submissions (3):

Blueprint Genetics
Classification: Likely benign. Last evaluated: 2024-10-28. Review status: criteria provided, single submitter. Criteria: ACMG Guidelines, 2015. Collection method: clinical testing. Allele origin: germline.

Labcorp Genetics (formerly Invitae), Labcorp
Classification: Likely benign. Last evaluated: 2023-11-12. Review status: criteria provided, single submitter. Criteria: Invitae Variant Classification Sherloc (09022015). Collection method: clinical testing. Allele origin: germline.

CeGaT Center for Human Genetics Tuebingen
Classification: Likely benign. Last evaluated: 2022-05-01. Review status: criteria provided, single submitter. Criteria: CeGaT Center For Human Genetics Tuebingen Variant Classification Criteria Version 2. Collection method: clinical testing. Allele origin: germline. Affected: yes. Observed: 1 variant allele.
Comment: CPAMD8: BP4, BP7

NM_015692.5(CPAMD8):c.4383C>T (p.Asn1461=)

Gene: CPAMD8 (C3 and PZP like alpha-2-macroglobulin domain containing 8; minus strand). Cytogenetic location: 19p13.11.
Variant type: single nucleotide variant.
Coding change: c.4383C>T on transcript NM_015692.5 (MANE Select); coding-DNA position 4383, C replaced by T.
Protein change: p.Asn1461=; no amino-acid change (asparagine 1461 retained).
Molecular consequence: synonymous variant.
Genome position (GRCh38, 1-based): chr19:16,903,726, G>A on the plus strand (C>T on the coding strand, the complement: CPAMD8 is on the minus strand). VCF-style: chr19-16903726-G-A. GRCh37 (hg19) VCF-style: chr19-17014536-G-A.
Identifiers: ClinVar variation 721241 (VCV000721241.32), dbSNP rs192468055, ClinGen allele CA9284631.